The following is an entry in ClinVar:

ClinVar aggregate classification (germline): Uncertain significance (1 of 4 stars; one submission).

Conditions:
Cohen syndrome (COH1). Also called: Cutis verticis gyrata, retinitis pigmentosa, and sensorineural deafness; PEPPER SYNDROME. Identifiers: Orphanet 193, MedGen C0265223, MONDO:0008999, OMIM 216550.

Allele frequency attached by ClinVar (database versions not stated): TOPMed below 0.00001; gnomAD 0.00001.
gnomAD v4.1: 1 of 1,614,002 alleles (0.000062%); highest among the groups gnomAD compares: Non-Finnish European, 0.000085%; no homozygotes.

Submission:

Labcorp Genetics (formerly Invitae), Labcorp
Classification: Uncertain significance for Cohen syndrome. Last evaluated: 2022-01-02. Review status: criteria provided, single submitter. Criteria: Invitae Variant Classification Sherloc (09022015). Collection method: clinical testing. Allele origin: germline.
Comment: This sequence change replaces glutamine, which is neutral and polar, with glutamic acid, which is acidic and polar, at codon 343 of the VPS13B protein (p.Gln343Glu). This variant is not present in population databases (gnomAD no frequency). This variant has not been reported in the literature in individuals affected with VPS13B-related conditions. Algorithms developed to predict the effect of missense changes on protein structure and function are either unavailable or do not agree on the potential impact of this missense change (SIFT: "Not Available"; PolyPhen-2: "Benign"; Align-GVGD: "Not Available"). In summary, the available evidence is currently insufficient to determine the role of this variant in disease. Therefore, it has been classified as a Variant of Uncertain Significance.

NM_152564.5(VPS13B):c.1027C>G (p.Gln343Glu)

Gene: VPS13B (vacuolar protein sorting 13 homolog B; plus strand). Cytogenetic location: 8q22.2.
Variant type: single nucleotide variant.
Coding change: c.1027C>G on transcript NM_152564.5 (MANE Select); coding-DNA position 1027, C replaced by G.
Protein change: p.Gln343Glu; replaces glutamine 343 with glutamic acid.
Molecular consequence: missense variant. On other transcripts: non-coding transcript variant (1).
Genome position (GRCh38, 1-based): chr8:99,121,266, C>G. VCF-style: chr8-99121266-C-G. GRCh37 (hg19) VCF-style: chr8-100133494-C-G.
Other names: c.1027C>G, p.Gln343Glu (NM_015243.3, NM_017890.5, NM_181661.3); short protein forms Q343E.
Identifiers: ClinVar variation 2069583 (VCV002069583.1), dbSNP rs1554625632, ClinGen allele CA371860956.